The following is an entry in ClinVar:

ClinVar aggregate classification (germline): Uncertain significance (1 of 4 stars; one submission).

Conditions:
Inborn genetic diseases. Identifiers: MedGen C0950123, MeSH D030342.

gnomAD v4.1: 2 of 1,613,932 alleles (0.00012%); highest among the groups gnomAD compares: African/African-American, 0.0027%; no homozygotes.

Submission:

Ambry Genetics
Classification: Uncertain significance for Inborn genetic diseases. Last evaluated: 2026-06-17. Review status: criteria provided, single submitter. Criteria: Ambry Variant Classification Scheme 2023. Collection method: clinical testing. Allele origin: germline.
Comment: The c.4054C>T (p.L1352F) alteration is located in exon 18 (coding exon 18) of the MED13 gene. This alteration results from a C to T substitution at nucleotide position 4054, causing the leucine (L) at amino acid position 1352 to be replaced by a phenylalanine (F). Based on data from gnomAD, the T allele has an overall frequency of <0.001% (1/249522) total alleles studied. The highest observed frequency was 0.007% (1/15486) of African alleles. Based on insufficient or conflicting evidence, the clinical significance of this alteration remains unclear.

NM_005121.3(MED13):c.4054C>T (p.Leu1352Phe)

Gene: MED13 (mediator complex subunit 13; minus strand). Cytogenetic location: 17q23.2.
Variant type: single nucleotide variant.
Coding change: c.4054C>T on transcript NM_005121.3 (MANE Select); coding-DNA position 4054, C replaced by T.
Protein change: p.Leu1352Phe; replaces leucine 1352 with phenylalanine.
Molecular consequence: missense variant.
Genome position (GRCh38, 1-based): chr17:61,968,172, G>A on the plus strand (C>T on the coding strand, the complement: MED13 is on the minus strand). VCF-style: chr17-61968172-G-A. GRCh37 (hg19) VCF-style: chr17-60045533-G-A.
Other names: short protein forms L1352F.
Identifiers: ClinVar variation 5024244 (VCV005024244.1).